The following is an entry in ClinVar:

NM_001083961.2(WDR62):c.3092G>A (p.Gly1031Asp)

Gene: WDR62 (WD repeat domain 62; plus strand). Cytogenetic location: 19q13.12.
Variant type: single nucleotide variant.
Coding change: c.3092G>A on transcript NM_001083961.2 (MANE Select); coding-DNA position 3092, G replaced by A.
Protein change: p.Gly1031Asp; replaces glycine 1031 with aspartic acid.
Molecular consequence: missense variant. On other transcripts: intron variant (1).
Genome position (GRCh38, 1-based): chr19:36,102,023, G>A. VCF-style: chr19-36102023-G-A. GRCh37 (hg19) VCF-style: chr19-36592925-G-A.
Other names: c.3077G>A, p.Gly1026Asp (NM_001411145.1); c.2741G>A, p.Gly914Asp (NM_001411147.1); c.3092G>A, p.Gly1031Asp (NM_173636.5); c.2971+706G>A (NM_001411146.1); short protein forms G1026D, G1031D, G914D.
Identifiers: ClinVar variation 2446668 (VCV002446668.1), dbSNP rs776996104, ClinGen allele CA307842011.

ClinVar aggregate classification (germline): Uncertain significance (1 of 4 stars; one submission).

Allele frequency attached by ClinVar (database versions not stated): gnomAD 0.00001; gnomAD exomes 0.00001; TOPMed 0.00001.
gnomAD v4.1: 25 of 1,614,014 alleles (0.0015%); highest among the groups gnomAD compares: Non-Finnish European, 0.0016%; 1 homozygote.

Submission:

GeneDx
Classification: Uncertain significance. Last evaluated: 2022-09-30. Review status: criteria provided, single submitter. Criteria: GeneDx Variant Classification Process June 2021. Collection method: clinical testing. Allele origin: germline. Affected: yes.
Comment: Not observed at significant frequency in large population cohorts (gnomAD); In silico analysis supports that this missense variant does not alter protein structure/function; Has not been previously published as pathogenic or benign to our knowledge